The following is an entry in ClinVar:

ClinVar aggregate classification (germline): Uncertain significance (1 of 4 stars; one submission).

Conditions:
Developmental and epileptic encephalopathy, 25 (DEE25). Also called: Developmental and epileptic encephalopathy 25, with amelogenesis imperfecta; Epileptic encephalopathy, early infantile, 25, with amelogenesis imperfecta; Epileptic encephalopathy, early infantile, 25. Identifiers: Orphanet 442835, MedGen C4014621, MONDO:0014392, OMIM 615905.

Allele frequency attached by ClinVar (database versions not stated): ExAC 0.00001; gnomAD 0.00001; gnomAD exomes 0.00001; TOPMed 0.00002.
gnomAD v4.1: 5 of 1,614,060 alleles (0.00031%); highest among the groups gnomAD compares: Admixed American, 0.0083%; no homozygotes.

Submission:

Labcorp Genetics (formerly Invitae), Labcorp
Classification: Uncertain significance for Developmental and epileptic encephalopathy, 25. Last evaluated: 2023-12-12. Review status: criteria provided, single submitter. Criteria: Invitae Variant Classification Sherloc (09022015). Collection method: clinical testing. Allele origin: germline.
Comment: This sequence change replaces methionine, which is neutral and non-polar, with isoleucine, which is neutral and non-polar, at codon 479 of the SLC13A5 protein (p.Met479Ile). This variant also falls at the last nucleotide of exon 10, which is part of the consensus splice site for this exon. This variant is present in population databases (rs745564000, gnomAD 0.01%). This variant has not been reported in the literature in individuals affected with SLC13A5-related conditions. ClinVar contains an entry for this variant (Variation ID: 2147527). An algorithm developed to predict the effect of missense changes on protein structure and function (PolyPhen-2) suggests that this variant is likely to be disruptive. Variants that disrupt the consensus splice site are a relatively common cause of aberrant splicing (PMID: 17576681, 9536098). In summary, the available evidence is currently insufficient to determine the role of this variant in disease. Therefore, it has been classified as a Variant of Uncertain Significance.

Literature cited by the submitters: PubMed 17576681; PubMed 9536098.

NM_177550.5(SLC13A5):c.1437G>A (p.Met479Ile)

Gene: SLC13A5 (solute carrier family 13 member 5; minus strand). Cytogenetic location: 17p13.1.
Variant type: single nucleotide variant.
Coding change: c.1437G>A on transcript NM_177550.5 (MANE Select); coding-DNA position 1437, G replaced by A.
Protein change: p.Met479Ile; replaces methionine 479 with isoleucine.
Molecular consequence: missense variant.
Genome position (GRCh38, 1-based): chr17:6,690,779, C>T on the plus strand (G>A on the coding strand, the complement: SLC13A5 is on the minus strand). VCF-style: chr17-6690779-C-T. GRCh37 (hg19) VCF-style: chr17-6594098-C-T.
Other names: c.1437G>A, p.Met479Ile (NM_001143838.3); c.1386G>A, p.Met462Ile (NM_001284509.2); c.1308G>A, p.Met436Ile (NM_001284510.2); short protein forms M436I, M462I, M479I.
Identifiers: ClinVar variation 2147527 (VCV002147527.2), dbSNP rs745564000, ClinGen allele CA8331392.